The following is an entry in ClinVar:

NM_014753.4(BMS1):c.3669G>A (p.Lys1223=)

Gene: BMS1 (BMS1 ribosome biogenesis factor; plus strand). Cytogenetic location: 10q11.21.
Variant type: single nucleotide variant.
Coding change: c.3669G>A on transcript NM_014753.4 (MANE Select); coding-DNA position 3669, G replaced by A.
Protein change: p.Lys1223=; no amino-acid change (lysine 1223 retained).
Molecular consequence: synonymous variant.
Genome position (GRCh38, 1-based): chr10:42,830,916, G>A. VCF-style: chr10-42830916-G-A. GRCh37 (hg19) VCF-style: chr10-43326364-G-A.
Identifiers: ClinVar variation 711913 (VCV000711913.5), dbSNP rs139118520, ClinGen allele CA5476440.

ClinVar aggregate classification (germline): Likely benign. Review status: criteria provided, single submitter (1 of 4 stars). 2 submissions from 2 submitters: Likely benign (1). 1 of the submissions does not count toward it. Last evaluated 2017-11-15.

Conditions:
BMS1-related disorder. Also called: BMS1-related condition.

Allele frequency attached by ClinVar (database versions not stated): gnomAD exomes 0.00001 and 0.00005; ExAC 0.00005; gnomAD 0.00019; 1000 Genomes Project 30x 0.00031; 1000 Genomes Project 0.00040; TOPMed 0.00044.
gnomAD v4.1: 57 of 1,612,396 alleles (0.0035%); highest among the groups gnomAD compares: Admixed American, 0.049%; no homozygotes.

Submissions (2):

Labcorp Genetics (formerly Invitae), Labcorp
Classification: Likely benign. Last evaluated: 2017-11-15. Review status: criteria provided, single submitter. Criteria: Invitae Variant Classification Sherloc (09022015). Collection method: clinical testing. Allele origin: germline.

PreventionGenetics, part of Exact Sciences
Classification: Likely benign for BMS1-related condition. Last evaluated: 2019-05-22. Review status: no assertion criteria provided. Collection method: clinical testing. Allele origin: germline. Not counted in ClinVar's aggregate classification.
Comment: This variant is classified as likely benign based on ACMG/AMP sequence variant interpretation guidelines (Richards et al. 2015 PMID: 25741868, with internal and published modifications).